The following is an entry in ClinVar:

NM_000350.3(ABCA4):c.578A>C (p.His193Pro)

Gene: ABCA4 (ATP binding cassette subfamily A member 4; minus strand). Cytogenetic location: 1p22.1.
Variant type: single nucleotide variant.
Coding change: c.578A>C on transcript NM_000350.3 (MANE Select); coding-DNA position 578, A replaced by C.
Protein change: p.His193Pro; replaces histidine 193 with proline.
Molecular consequence: missense variant.
Genome position (GRCh38, 1-based): chr1:94,098,984, T>G on the plus strand (A>C on the coding strand, the complement: ABCA4 is on the minus strand). VCF-style: chr1-94098984-T-G. GRCh37 (hg19) VCF-style: chr1-94564540-T-G.
Other names: c.578A>C, p.His193Pro (NM_001425324.1); short protein forms H193P.
Identifiers: ClinVar variation 1931678 (VCV001931678.2), dbSNP rs146117175, ClinGen allele CA958795.
Genomic context (GRCh38, chr1:94,098,984, plus strand): 5'-AAGCGCTCCAGGAGGGCCTCGCTGCAGGCGATGTCCTTCAGCGCCAGGTCCGGGACTCCA[T>G]GAGCGAACTGCAGGGAGAAGAGGCAACACTAGAAACTGCCCTGTGGTAGGAAAGACACCC-3'
Protein context (NP_000341.2, residues 183-203): NSQVRPEQFA[His193Pro]GVPDLALKDI

ClinVar aggregate classification (germline): Uncertain significance (1 of 4 stars; one submission).

Allele frequency attached by ClinVar (database versions not stated): ExAC 0.00001.
gnomAD v4.1: 5 of 1,606,874 alleles (0.00031%); highest among the groups gnomAD compares: Non-Finnish European, 0.00034%; no homozygotes.

Submission:

Labcorp Genetics (formerly Invitae), Labcorp
Classification: Uncertain significance. Last evaluated: 2022-03-29. Review status: criteria provided, single submitter. Criteria: Invitae Variant Classification Sherloc (09022015). Collection method: clinical testing. Allele origin: germline.
Comment: This sequence change replaces histidine, which is basic and polar, with proline, which is neutral and non-polar, at codon 193 of the ABCA4 protein (p.His193Pro). This variant is present in population databases (rs146117175, gnomAD 0.0009%). This variant has not been reported in the literature in individuals affected with ABCA4-related conditions. Advanced modeling of protein sequence and biophysical properties (such as structural, functional, and spatial information, amino acid conservation, physicochemical variation, residue mobility, and thermodynamic stability) performed at Invitae indicates that this missense variant is not expected to disrupt ABCA4 protein function. In summary, the available evidence is currently insufficient to determine the role of this variant in disease. Therefore, it has been classified as a Variant of Uncertain Significance.